The following is an entry in ClinVar:

ClinVar aggregate classification (germline): Uncertain significance (1 of 4 stars; one submission).

Conditions:
Progressive familial heart block type IB (PFHB1B). Identifiers: Orphanet 871, MedGen C1970298, MONDO:0011474, OMIM 604559.

Submission:

Labcorp Genetics (formerly Invitae), Labcorp
Classification: Uncertain significance for Progressive familial heart block type IB. Last evaluated: 2025-02-04. Review status: criteria provided, single submitter. Criteria: Invitae Variant Classification Sherloc (09022015). Collection method: clinical testing. Allele origin: germline.
Comment: This sequence change replaces glycine, which is neutral and non-polar, with serine, which is neutral and polar, at codon 180 of the TRPM4 protein (p.Gly180Ser). This variant is not present in population databases (gnomAD no frequency). This variant has not been reported in the literature in individuals affected with TRPM4-related conditions. An algorithm developed to predict the effect of missense changes on protein structure and function outputs the following: PolyPhen-2: "Benign". The serine amino acid residue is found in multiple mammalian species, which suggests that this missense change does not adversely affect protein function. In summary, the available evidence is currently insufficient to determine the role of this variant in disease. Therefore, it has been classified as a Variant of Uncertain Significance.

NM_017636.4(TRPM4):c.538G>A (p.Gly180Ser)

Gene: TRPM4 (transient receptor potential cation channel subfamily M member 4; plus strand). Cytogenetic location: 19q13.33.
Variant type: single nucleotide variant.
Coding change: c.538G>A on transcript NM_017636.4 (MANE Select); coding-DNA position 538, G replaced by A.
Protein change: p.Gly180Ser; replaces glycine 180 with serine.
Molecular consequence: missense variant. On other transcripts: 5 prime UTR variant (1), intron variant (2).
Genome position (GRCh38, 1-based): chr19:49,168,349, G>A. VCF-style: chr19-49168349-G-A. GRCh37 (hg19) VCF-style: chr19-49671606-G-A.
Other names: c.538G>A, p.Gly180Ser (NM_001195227.2); c.-1016G>A (NM_001321282.2); c.16G>A, p.Gly6Ser (NM_001321283.2); c.268-204G>A (NM_001321281.2); c.-237-204G>A (NM_001321285.2); short protein forms G6S, G180S.
Identifiers: ClinVar variation 4709153 (VCV004709153.1).